The following is an entry in ClinVar:

ClinVar aggregate classification (germline): Uncertain significance. Review status: criteria provided, multiple submitters, no conflicts (2 of 4 stars). 2 submissions from 2 submitters: Uncertain significance (2). Last evaluated 2024-12-19.

Conditions:
PALLD-related disorder. Also called: PALLD-related condition.

Allele frequency attached by ClinVar (database versions not stated): gnomAD exomes below 0.00001.
gnomAD v4.1: 6 of 1,613,554 alleles (0.00037%); highest among the groups gnomAD compares: Non-Finnish European, 0.00051%; no homozygotes.

Submissions (2):

Ambry Genetics
Classification: Uncertain significance. Last evaluated: 2024-12-19. Review status: criteria provided, single submitter. Criteria: Ambry Variant Classification Scheme 2023. Collection method: clinical testing. Allele origin: germline.
Comment: The p.V570G variant (also known as c.1709T>G), located in coding exon 9 of the PALLD gene, results from a T to G substitution at nucleotide position 1709. The valine at codon 570 is replaced by glycine, an amino acid with dissimilar properties. This amino acid position is conserved. In addition, this alteration is predicted to be deleterious by in silico analysis. Based on the available evidence, the clinical significance of this variant remains unclear.

PreventionGenetics, part of Exact Sciences
Classification: Uncertain significance for PALLD-related condition. Last evaluated: 2023-01-10. Review status: criteria provided, single submitter. Criteria: ACMG Guidelines, 2015. Collection method: clinical testing. Allele origin: germline.
Comment: The PALLD c.3170T>G variant is predicted to result in the amino acid substitution p.Val1057Gly. To our knowledge, this variant has not been reported in the literature. This variant is reported in 0.00088% of alleles in individuals of European (Non-Finnish) descent in gnomAD. At this time, the clinical significance of this variant is uncertain due to the absence of conclusive functional and genetic evidence.

NM_001166108.2(PALLD):c.3221T>G (p.Val1074Gly)

Genes: CBR4 (carbonyl reductase 4; minus strand), PALLD (palladin, cytoskeletal associated protein; plus strand). Cytogenetic location: 4q32.3.
Variant type: single nucleotide variant.
Coding change: c.3221T>G on transcript NM_001166108.2 (MANE Select); coding-DNA position 3221, T replaced by G.
Protein change: p.Val1074Gly; replaces valine 1074 with glycine.
Molecular consequence: missense variant.
Genome position (GRCh38, 1-based): chr4:168,924,417, T>G. VCF-style: chr4-168924417-T-G. GRCh37 (hg19) VCF-style: chr4-169845568-T-G.
Other names: c.2024T>G, p.Val675Gly (NM_001166109.2); c.1709T>G, p.Val570Gly (NM_001166110.2); c.1049T>G, p.Val350Gly (NM_001367567.1, NM_001367569.1); c.1100T>G, p.Val367Gly (NM_001367568.1, NM_001367570.1); c.3170T>G, p.Val1057Gly (NM_016081.4); c.1709T>G (NM_001166110.1); short protein forms V1057G, V1074G, V350G, V367G, V570G, V675G.
Identifiers: ClinVar variation 2634246 (VCV002634246.2), dbSNP rs1356716314, ClinGen allele CA358713116.